The following is an entry in ClinVar:

NM_003441.4(ZNF141):c.1064A>G (p.Asn355Ser)

Gene: ZNF141 (zinc finger protein 141; plus strand). Cytogenetic location: 4p16.3.
Variant type: single nucleotide variant.
Coding change: c.1064A>G on transcript NM_003441.4 (MANE Select); coding-DNA position 1064, A replaced by G.
Protein change: p.Asn355Ser; replaces asparagine 355 with serine.
Molecular consequence: missense variant. On other transcripts: intron variant (1).
Genome position (GRCh38, 1-based): chr4:373,501, A>G. VCF-style: chr4-373501-A-G. GRCh37 (hg19) VCF-style: chr4-367290-A-G.
Other names: c.836A>G, p.Asn279Ser (NM_001348277.2); c.570+494A>G (NM_001348278.2); short protein forms N279S, N355S.
Identifiers: ClinVar variation 3057765 (VCV003057765.4), dbSNP rs61733102, ClinGen allele CA2791832.

ClinVar aggregate classification (germline): Conflicting classifications of pathogenicity. Review status: criteria provided, conflicting classifications (1 of 4 stars). 3 submissions from 3 submitters: Uncertain significance (1); Likely benign (1). 1 of the submissions does not count toward it. Last evaluated 2025-08-04.

Conditions:
ZNF141-related disorder. Also called: ZNF141-related condition.

Allele frequency attached by ClinVar (database versions not stated): gnomAD exomes 0.00019; ExAC 0.00058; gnomAD 0.00204; TOPMed 0.00213; ESP Exome Variant Server 0.00254; 1000 Genomes Project 0.00260; 1000 Genomes Project 30x 0.00281.
gnomAD v4.1: 598 of 1,613,504 alleles (0.037%); highest among the groups gnomAD compares: African/African-American, 0.71%; 1 homozygote.

Submissions (3):

Ambry Genetics
Classification: Uncertain significance. Last evaluated: 2025-08-04. Review status: criteria provided, single submitter. Criteria: Ambry Variant Classification Scheme 2023. Collection method: clinical testing. Allele origin: germline.

Blueprint Genetics
Classification: Likely benign. Last evaluated: 2024-06-20. Review status: criteria provided, single submitter. Criteria: ACMG Guidelines, 2015. Collection method: clinical testing. Allele origin: germline.

PreventionGenetics, part of Exact Sciences
Classification: Likely benign for ZNF141-related condition. Last evaluated: 2020-05-26. Review status: no assertion criteria provided. Collection method: clinical testing. Allele origin: germline. Not counted in ClinVar's aggregate classification.
Comment: This variant is classified as likely benign based on ACMG/AMP sequence variant interpretation guidelines (Richards et al. 2015 PMID: 25741868, with internal and published modifications).